The following is an entry in ClinVar:

NM_000152.5(GAA):c.2481+1G>A

Gene: GAA (alpha glucosidase; plus strand). Cytogenetic location: 17q25.3.
Variant type: single nucleotide variant.
Coding change: c.2481+1G>A on transcript NM_000152.5 (MANE Select); the canonical splice donor site of the intron after coding-DNA position 2481, G replaced by A.
Molecular consequence: splice donor variant.
Genome position (GRCh38, 1-based): chr17:80,117,750, G>A. VCF-style: chr17-80117750-G-A. GRCh37 (hg19) VCF-style: chr17-78091549-G-A.
Other names: c.2481+1G>A (NM_001406741.1, NM_001406742.1, NM_001079803.3 and 1 more transcripts).
Identifiers: ClinVar variation 2736682 (VCV002736682.4), dbSNP rs2510400033, ClinGen allele CA401325549.

ClinVar aggregate classification (germline): Conflicting classifications of pathogenicity. Review status: criteria provided, conflicting classifications (1 of 4 stars). 2 submissions from 2 submitters: Likely pathogenic (1); Uncertain significance (1). Last evaluated 2026-07-01.

Conditions:
Glycogen storage disease, type II (IOPD). Also called: CARDIOMEGALIA GLYCOGENICA DIFFUSA; GLYCOGENOSIS, GENERALIZED, CARDIAC FORM; GSD II; Glycogen storage disease type 2; Acid maltase deficiency disease; Aglucosidase alfa. Identifiers: Orphanet 365, MedGen C0017921, MONDO:0009290, OMIM 232300.

Submissions (2):

Genomenon, Inc
Classification: Uncertain significance for Glycogen storage disease, type II. Last evaluated: 2026-07-01. Review status: criteria provided, single submitter. Criteria: Genomenon Sequence Variant Interpretation Standards - Updated. Collection method: curation. Allele origin: germline. Affected: yes.
Comment: GAA c.2481+1G>A is a canonical splice variant affecting the donor splice site of intron 17. It is predicted to affect mRNA splicing, leading to a deleterious effect on the GAA protein. This variant has been observed in at least one proband with a GAA-related disorder in the compound heterozygous and/or homozygous state (PMID:29044175). Functional studies have been reported (PMID:31850350;29044175). It is absent or not present at a significant frequency in gnomAD. In conclusion, we classify GAA c.2481+1G>A as a variant of uncertain significance.

Labcorp Genetics (formerly Invitae), Labcorp
Classification: Likely pathogenic for Glycogen storage disease, type II. Last evaluated: 2025-10-02. Review status: criteria provided, single submitter. Criteria: Invitae Variant Classification Sherloc (09022015). Collection method: clinical testing. Allele origin: germline.
Comment: This sequence change affects a donor splice site in intron 17 of the GAA gene. It is expected to disrupt RNA splicing. Variants that disrupt the donor or acceptor splice site typically lead to a loss of protein function (PMID: 16199547), and loss-of-function variants in GAA are known to be pathogenic (PMID: 18425781, 22252923). This variant is not present in population databases (gnomAD no frequency). Disruption of this splice site has been observed in individual(s) with Pompe disease (PMID: 22644586, 29124014). ClinVar contains an entry for this variant (Variation ID: 2736682). Algorithms developed to predict the effect of sequence changes on RNA splicing suggest that this variant may disrupt the consensus splice site. In summary, the currently available evidence indicates that the variant is pathogenic, but additional data are needed to prove that conclusively. Therefore, this variant has been classified as Likely Pathogenic.

Literature cited by the submitters: PubMed 29044175 (cited by Genomenon, Inc); PubMed 31850350 (cited by Genomenon, Inc); PubMed 16199547 (cited by Labcorp Genetics (formerly Invitae), Labcorp); PubMed 18425781 (cited by Labcorp Genetics (formerly Invitae), Labcorp); PubMed 22252923 (cited by Labcorp Genetics (formerly Invitae), Labcorp); PubMed 22644586 (cited by Labcorp Genetics (formerly Invitae), Labcorp); PubMed 29124014 (cited by Labcorp Genetics (formerly Invitae), Labcorp).